The following is an entry in ClinVar:

NM_015046.7(SETX):c.3823C>T (p.Arg1275Cys)

Gene: SETX (senataxin; minus strand). Cytogenetic location: 9q34.13.
Variant type: single nucleotide variant.
Coding change: c.3823C>T on transcript NM_015046.7 (MANE Select); coding-DNA position 3823, C replaced by T.
Protein change: p.Arg1275Cys; replaces arginine 1275 with cysteine.
Molecular consequence: missense variant.
Genome position (GRCh38, 1-based): chr9:132,327,775, G>A on the plus strand (C>T on the coding strand, the complement: SETX is on the minus strand). VCF-style: chr9-132327775-G-A. GRCh37 (hg19) VCF-style: chr9-135203162-G-A.
Other names: c.3823C>T, p.Arg1275Cys (NM_001351527.2, NM_001351528.2); short protein forms R1275C.
Identifiers: ClinVar variation 576756 (VCV000576756.13), dbSNP rs760272692, ClinGen allele CA5297321.

ClinVar aggregate classification (germline): Conflicting classifications of pathogenicity. Review status: criteria provided, conflicting classifications (1 of 4 stars). 4 submissions from 4 submitters: Uncertain significance (2); Likely benign (1). 1 of the submissions does not count toward it. Last evaluated 2026-01-09.

Conditions:
Inborn genetic diseases. Identifiers: MedGen C0950123, MeSH D030342.
SETX-related disorder. Also called: SETX-related disorders; SETX-related condition. Identifiers: MedGen CN239403.
Amyotrophic lateral sclerosis type 4 (ALS4). Also called: NEURONOPATHY, DISTAL HEREDITARY MOTOR, WITH PYRAMIDAL FEATURES; AMYOTROPHIC LATERAL SCLEROSIS 4, JUVENILE. Identifiers: Orphanet 357043, MedGen C1865409, MONDO:0011223, OMIM 602433.
Spinocerebellar ataxia, autosomal recessive, with axonal neuropathy 2 (SCAN2). Also called: Ataxia with Oculomotor Apraxia; Ataxia with Oculomotor Apraxia Type 2; ATAXIA-OCULOMOTOR APRAXIA 2; Ataxia-ocular apraxia-2. Identifiers: Orphanet 64753, MedGen C1853761, MONDO:0018996, OMIM 606002.

Allele frequency attached by ClinVar (database versions not stated): gnomAD 0.00001; gnomAD exomes 0.00002 and 0.00004; ExAC 0.00004; TOPMed 0.00005.
gnomAD v4.1: 38 of 1,614,050 alleles (0.0024%); highest among the groups gnomAD compares: Admixed American, 0.012%; no homozygotes.

Submissions (4):

Labcorp Genetics (formerly Invitae), Labcorp
Classification: Likely benign for Amyotrophic lateral sclerosis type 4; Spinocerebellar ataxia, autosomal recessive, with axonal neuropathy 2. Last evaluated: 2026-01-09. Review status: criteria provided, single submitter. Criteria: Invitae Variant Classification Sherloc (09022015). Collection method: clinical testing. Allele origin: germline.

Ambry Genetics
Classification: Uncertain significance for Inborn genetic diseases. Last evaluated: 2024-05-06. Review status: criteria provided, single submitter. Criteria: Ambry Variant Classification Scheme 2023. Collection method: clinical testing. Allele origin: germline.

ARUP Laboratories, Molecular Genetics and Genomics, ARUP Laboratories
Classification: Uncertain significance. Last evaluated: 2024-04-30. Review status: criteria provided, single submitter. Criteria: ARUP Molecular Germline Variant Investigation Process 2024. Collection method: clinical testing. Allele origin: germline.
Comment: The SETX c.3823C>T; p.Arg1275Cys variant (rs760272692), to our knowledge, is not reported in the medical literature but is reported in ClinVar (Variation ID: 576756). This variant is found in the general population with an overall allele frequency of 0.004% (11/251454 alleles) in the Genome Aggregation Database (v2.1.1). Computational analyses are uncertain whether this variant is neutral or deleterious (REVEL: 0.635). Due to limited information, the clinical significance of this variant is uncertain at this time.

PreventionGenetics, part of Exact Sciences
Classification: Uncertain significance for SETX-related condition. Last evaluated: 2024-07-26. Review status: no assertion criteria provided. Collection method: clinical testing. Allele origin: germline. Not counted in ClinVar's aggregate classification.
Comment: The SETX c.3823C>T variant is predicted to result in the amino acid substitution p.Arg1275Cys. To our knowledge, this variant has not been reported in the literature. This variant is reported in 0.014% of alleles in individuals of Latino descent in gnomAD. At this time, the clinical significance of this variant is uncertain due to the absence of conclusive functional and genetic evidence.